The following is an entry in ClinVar:

ClinVar aggregate classification (germline): Pathogenic. Review status: criteria provided, multiple submitters, no conflicts (2 of 4 stars). 3 submissions from 3 submitters: Pathogenic (3). Last evaluated 2022-10-13.

Conditions:
Duchenne muscular dystrophy (DMD). Also called: Duchenne Muscular Dystrophy (DMD); MUSCULAR DYSTROPHY, PSEUDOHYPERTROPHIC PROGRESSIVE, DUCHENNE TYPE. Identifiers: Orphanet 98896, MedGen C0013264, MONDO:0010679, OMIM 310200.

Submissions (3):

Labcorp Genetics (formerly Invitae), Labcorp
Classification: Pathogenic for Duchenne muscular dystrophy. Last evaluated: 2022-10-13. Review status: criteria provided, single submitter. Criteria: Invitae Variant Classification Sherloc (09022015). Collection method: clinical testing. Allele origin: germline.
Comment: This sequence change creates a premature translational stop signal (p.Gln2569*) in the DMD gene. It is expected to result in an absent or disrupted protein product. Loss-of-function variants in DMD are known to be pathogenic (PMID: 16770791, 25007885). This variant is not present in population databases (gnomAD no frequency). This premature translational stop signal has been observed in individual(s) with Duchenne muscular dystrophy (PMID: 29604111). ClinVar contains an entry for this variant (Variation ID: 803835). For these reasons, this variant has been classified as Pathogenic.

Mendelics
Classification: Pathogenic for Duchenne muscular dystrophy. Last evaluated: 2019-05-28. Review status: criteria provided, single submitter. Criteria: Mendelics Assertion Criteria 2017. Collection method: clinical testing. Allele origin: unknown.

Neuberg Centre For Genomic Medicine, NCGM
Classification: Pathogenic for Duchenne muscular dystrophy. Review status: criteria provided, single submitter. Criteria: ACMG Guidelines, 2015. Collection method: clinical testing. Allele origin: germline. Inheritance: X-linked inheritance. Affected: yes.
Comment: The stop gained variant c.7705C>T (p.Gln2569Ter) in DMD gene has been reported to the ClinVar database as Pathogenic. The variant is novel (not in any individuals) in gnomAD Exomes and 1000 Genomes. This variant is predicted to cause loss of normal protein function through protein truncation. Loss of function variants have been previously reported to be disease causing. The nucleotide change in DMD is predicted as conserved by GERP++ and PhyloP across 100 vertebrates. For these reasons, this variant has been classified as Pathogenic.

Literature cited by the submitters: PubMed 16770791 (cited by Labcorp Genetics (formerly Invitae), Labcorp); PubMed 25007885 (cited by Labcorp Genetics (formerly Invitae), Labcorp); PubMed 29604111 (cited by Labcorp Genetics (formerly Invitae), Labcorp).

NM_004006.3(DMD):c.7705C>T (p.Gln2569Ter)

Gene: DMD (dystrophin; minus strand). Cytogenetic location: Xp21.1.
Variant type: single nucleotide variant.
Coding change: c.7705C>T on transcript NM_004006.3 (MANE Select); coding-DNA position 7705, C replaced by T.
Protein change: p.Gln2569Ter; replaces glutamine 2569 with a stop codon.
Molecular consequence: nonsense.
Genome position (GRCh38, 1-based): chrX:31,679,542, G>A on the plus strand (C>T on the coding strand, the complement: DMD is on the minus strand). VCF-style: chrX-31679542-G-A. GRCh37 (hg19) VCF-style: chrX-31697659-G-A.
Other names: c.7681C>T, p.Gln2561Ter (NM_000109.4); c.7693C>T, p.Gln2565Ter (NM_004009.3); c.7336C>T, p.Gln2446Ter (NM_004010.3); c.3682C>T, p.Gln1228Ter (NM_004011.4); c.3673C>T, p.Gln1225Ter (NM_004012.4); c.325C>T, p.Gln109Ter (NM_004013.3, NM_004020.4, NM_004021.3 and 2 more transcripts); short protein forms Q1225*, Q2565*, Q109*, Q1228*, Q2446*, Q2561*, Q2569*.
Identifiers: ClinVar variation 803835 (VCV000803835.7), dbSNP rs1603445344, ClinGen allele CA412656921.
Genomic context (GRCh38, chrX:31,679,542, plus strand): 5'-TAGCTTCCAGCCATTGTGTTGAATCCTTTAACATTTCATTCAACTGTTGCCTCCGGTTCT[G>A]AAGGTGTTCTTGTACTTCATCCCACTGATTCTGAATTCTTTCAACTAGAATAAAAGGAAA-3'